The following is an entry in ClinVar:

NM_144997.7(FLCN):c.430G>T (p.Gly144Ter)

Gene: FLCN (folliculin; minus strand). Cytogenetic location: 17p11.2.
Variant type: single nucleotide variant.
Coding change: c.430G>T on transcript NM_144997.7 (MANE Select); coding-DNA position 430, G replaced by T.
Protein change: p.Gly144Ter; replaces glycine 144 with a stop codon.
Molecular consequence: nonsense.
Genome position (GRCh38, 1-based): chr17:17,224,110, C>A on the plus strand (G>T on the coding strand, the complement: FLCN is on the minus strand). VCF-style: chr17-17224110-C-A. GRCh37 (hg19) VCF-style: chr17-17127424-C-A.
Other names: c.484G>T, p.Gly162Ter (NM_001353229.2); c.430G>T, p.Gly144Ter (NM_001353230.2, NM_001353231.2, NM_144606.7); short protein forms G144*, G162*.
Identifiers: ClinVar variation 1739628 (VCV001739628.2), dbSNP rs372918705, ClinGen allele CA398534583.
Genomic context (GRCh38, chr17:17,224,110, plus strand): 5'-TGGCCAGGCTGTCCTTGATGAAGAAGGTGTGGCTGAACACAAAGCCGTGCTGCTCATCTC[C>A]GAAGAAGATGGGGCCTTCACGGCCAGGGCAGACCTGGAGGGACACCGGCGACTCAGACAG-3'

ClinVar aggregate classification (germline): Pathogenic (1 of 4 stars; one submission).

Conditions:
Hereditary cancer-predisposing syndrome. Also called: Hereditary Cancer Syndrome; Hereditary neoplastic syndrome; Neoplastic Syndromes, Hereditary; Tumor predisposition. Identifiers: Orphanet 140162, MedGen C0027672, MeSH D009386, MONDO:0015356.

Submission:

Ambry Genetics
Classification: Pathogenic for Hereditary cancer-predisposing syndrome. Last evaluated: 2020-08-18. Review status: criteria provided, single submitter. Criteria: Ambry Variant Classification Scheme 2023. Collection method: clinical testing. Allele origin: germline.
Comment: The p.G144* pathogenic mutation (also known as c.430G>T), located in coding exon 3 of the FLCN gene, results from a G to T substitution at nucleotide position 430. This changes the amino acid from a glycine to a stop codon within coding exon 3. This alteration is expected to result in loss of function by premature protein truncation or nonsense-mediated mRNA decay. As such, this alteration is interpreted as a disease-causing mutation.